The following is an entry in ClinVar:

ClinVar aggregate classification (germline): Uncertain significance (1 of 4 stars; one submission).

Conditions:
Fabry disease. Also called: ALPHA-GALACTOSIDASE A DEFICIENCY; ANDERSON-FABRY DISEASE; CERAMIDE TRIHEXOSIDASE DEFICIENCY; GLA DEFICIENCY; HEREDITARY DYSTOPIC LIPIDOSIS; Angiokeratoma corporis diffusum. Identifiers: Orphanet 324, MedGen C0002986, MONDO:0010526, OMIM 301500, HP:0001071. Disease mechanism: Fabry disease is due to inactivating mutations in the X-linked GLA gene resulting in deficiency of the enzyme Alpha Galactosidase-A., loss of function.

Submission:

Genomenon, Inc
Classification: Uncertain significance for Fabry disease. Last evaluated: 2026-09-08. Review status: criteria provided, single submitter. Criteria: Genomenon Sequence Variant Interpretation Standards - Updated. Collection method: curation. Allele origin: germline. Affected: yes.
Comment: GLA p.Ser371dup (c.1110_1112dup) is an in-frame duplication variant that results in the duplication of Serine at codon 371. This variant has been observed in at least one proband with clinical features consistent with Fabry disease (PMID:38135868). Functional or patient cell studies have been reported (PMID:38135868). It is absent or not present at a significant frequency in gnomAD. In conclusion, we classify GLA p.Ser371dup (c.1110_1112dup) as a variant of uncertain significance.

Literature cited by the submitters: PubMed 38135868.

NM_000169.3(GLA):c.1110_1112dup (p.Ser371_Leu372insSer)

Genes: GLA (galactosidase alpha; minus strand), RPL36A-HNRNPH2 (RPL36A-HNRNPH2 readthrough; plus strand). Cytogenetic location: Xq22.1.
Variant type: Duplication.
Coding change: c.1110_1112dup on transcript NM_000169.3 (MANE Select); coding-DNA positions 1110 to 1112, 3 bases duplicated (TTC; older notation c.1110_1112dupTTC).
Protein change: p.Ser371_Leu372insSer.
Molecular consequence: inframe insertion. On other transcripts: non-coding transcript variant (3), intron variant (2).
Genome position (GRCh38, 1-based): chrX:101,397,987-101,397,989, GAA duplicated on the plus strand (TTC on the coding strand, the reverse complement: GLA is on the minus strand); duplicating any 3 consecutive bases within chrX:101,397,987-101,397,990 gives the same sequence; the c. name uses the placement nearest the transcript's 3' end. VCF-style (leftmost placement, unchanged base first): chrX-101397986-G-GGAA. GRCh37 (hg19) VCF-style: chrX-100652974-G-GGAA.
Other names: c.1233_1235dup, p.Ser412_Leu413insSer (NM_001406747.1); c.300+2531_300+2533dup (NM_001199973.2); c.177+6166_177+6168dup (NM_001199974.2).
Identifiers: ClinVar variation 4087245 (VCV004087245.2).